The following is an entry in ClinVar:

ClinVar aggregate classification (germline): Conflicting classifications of pathogenicity. Review status: criteria provided, conflicting classifications (1 of 4 stars). 4 submissions from 4 submitters: Likely pathogenic (2); Uncertain significance (2). Last evaluated 2026-01-24.

Conditions:
Mucopolysaccharidosis type 1. Also called: IDUA deficiency; MPS I; Mucopolysaccharidosis Type I. Identifiers: Orphanet 579, MedGen C0023786, MONDO:0001586.
Mucopolysaccharidosis, MPS-I-S. Also called: MPS V; MUCOPOLYSACCHARIDOSIS TYPE V; Scheie Syndrome; MUCOPOLYSACCHARIDOSIS TYPE IS. Identifiers: Orphanet 93474, MedGen C0026708, MONDO:0011760, OMIM 607016.
Hurler syndrome. Also called: Gargoylism, Hurler Syndrome; MUCOPOLYSACCHARIDOSIS TYPE IH; Severe MPS I (Hurler Syndrome). Identifiers: Orphanet 93473, MedGen C0086795, MONDO:0011758, OMIM 607014.
Mucopolysaccharidosis, MPS-I-H/S. Also called: Mucopolysaccharidosis type IH/S. Identifiers: Orphanet 93476, MedGen C0086431, MONDO:0011759, OMIM 607015.

Submissions (4):

Labcorp Genetics (formerly Invitae), Labcorp
Classification: Likely pathogenic for Mucopolysaccharidosis type 1. Last evaluated: 2026-01-24. Review status: criteria provided, single submitter. Criteria: Invitae Variant Classification Sherloc (09022015). Collection method: clinical testing. Allele origin: germline.
Comment: This sequence change replaces serine, which is neutral and polar, with threonine, which is neutral and polar, at codon 347 of the IDUA protein (p.Ser347Thr). This variant is not present in population databases (gnomAD no frequency). This missense change has been observed in individual(s) with a positive newborn screening result for IDUA-related disease (internal data). ClinVar contains an entry for this variant (Variation ID: 1478034). Invitae Evidence Modeling of protein sequence and biophysical properties (such as structural, functional, and spatial information, amino acid conservation, physicochemical variation, residue mobility, and thermodynamic stability) indicates that this missense variant is expected to disrupt IDUA protein function with a positive predictive value of 95%. This variant disrupts the p.Ser347 amino acid residue in IDUA. Other variant(s) that disrupt this residue have been determined to be pathogenic (PMID: 25102484, 31194252). This suggests that this residue is clinically significant, and that variants that disrupt this residue are likely to be disease-causing. In summary, the currently available evidence indicates that the variant is pathogenic, but additional data are needed to prove that conclusively. Therefore, this variant has been classified as Likely Pathogenic.

Fulgent Genetics
Classification: Likely pathogenic for Hurler syndrome; Mucopolysaccharidosis, MPS-I-H/S; Mucopolysaccharidosis, MPS-I-S. Last evaluated: 2024-05-03. Review status: criteria provided, single submitter. Criteria: ACMG Guidelines, 2015. Collection method: clinical testing. Allele origin: germline.

Women's Health and Genetics/Laboratory Corporation of America, LabCorp
Classification: Uncertain significance. Last evaluated: 2024-04-24. Review status: criteria provided, single submitter. Criteria: LabCorp Variant Classification Summary - May 2015. Collection method: clinical testing. Allele origin: germline.
Comment: Variant summary: IDUA c.1040G>C (p.Ser347Thr) results in a conservative amino acid change located in the Glycosyl hydrolases family 39, N-terminal catalytic domain (IPR049166) of the encoded protein sequence. Four of five in-silico tools predict a damaging effect of the variant on protein function. The variant was absent in 248336 control chromosomes (gnomAD). The available data on variant occurrences in the general population are insufficient to allow any conclusion about variant significance. To our knowledge, no occurrence of c.1040G>C in individuals affected with Mucopolysaccharidosis Type 1 and no experimental evidence demonstrating its impact on protein function have been reported. ClinVar contains an entry for this variant (Variation ID: 1478034). Based on the evidence outlined above, the variant was classified as uncertain significance.

Revvity Omics, Revvity
Classification: Uncertain significance. Last evaluated: 2023-05-22. Review status: criteria provided, single submitter. Criteria: ACMG Guidelines, 2015. Collection method: clinical testing. Allele origin: germline.

Literature cited by the submitters: PubMed 25102484 (cited by Labcorp Genetics (formerly Invitae), Labcorp); PubMed 31194252 (cited by Labcorp Genetics (formerly Invitae), Labcorp).

NM_000203.5(IDUA):c.1040G>C (p.Ser347Thr)

Gene: IDUA (alpha-L-iduronidase; plus strand). Cytogenetic location: 4p16.3.
Variant type: single nucleotide variant.
Coding change: c.1040G>C on transcript NM_000203.5 (MANE Select); coding-DNA position 1040, G replaced by C.
Protein change: p.Ser347Thr; replaces serine 347 with threonine.
Molecular consequence: missense variant. On other transcripts: non-coding transcript variant (1).
Genome position (GRCh38, 1-based): chr4:1,002,336, G>C. VCF-style: chr4-1002336-G-C. GRCh37 (hg19) VCF-style: chr4-996124-G-C.
Other names: c.644G>C, p.Ser215Thr (NM_001363576.1); c.1040G>C (NM_000203.4); short protein forms S215T, S347T.
Identifiers: ClinVar variation 1478034 (VCV001478034.14), dbSNP rs780106243, ClinGen allele CA91169040.